The following is an entry in ClinVar:

ClinVar aggregate classification (germline): Uncertain significance (1 of 4 stars; one submission).

Conditions:
Hereditary spastic paraplegia 11. Also called: Spastic paraplegia, mental retardation and thin corpus callosum; Nakamura Osame syndrome; Autosomal recessive hereditary spastic paraplegia, mental impairment, and thin corpus callosum; SPASTIC PARAPLEGIA, AUTOSOMAL RECESSIVE, COMPLICATED, WITH THIN CORPUS CALLOSUM; SPASTIC PARAPLEGIA, AUTOSOMAL RECESSIVE, WITH MENTAL IMPAIRMENT AND THIN CORPUS CALLOSUM; Spastic Paraplegia 11. Identifiers: Orphanet 2822, MedGen C1858479, MONDO:0011445, OMIM 604360.

Allele frequency attached by ClinVar (database versions not stated): gnomAD 0.00001; gnomAD exomes 0.00002 and 0.00005; ExAC 0.00004; 1000 Genomes Project 30x 0.00016; 1000 Genomes Project 0.00020.
gnomAD v4.1: 27 of 1,613,694 alleles (0.0017%); highest among the groups gnomAD compares: South Asian, 0.029%; no homozygotes.

Submission:

Labcorp Genetics (formerly Invitae), Labcorp
Classification: Uncertain significance for Hereditary spastic paraplegia 11. Last evaluated: 2021-09-01. Review status: criteria provided, single submitter. Criteria: Invitae Variant Classification Sherloc (09022015). Collection method: clinical testing. Allele origin: germline.
Comment: This sequence change replaces serine with asparagine at codon 1326 of the SPG11 protein (p.Ser1326Asn). The serine residue is moderately conserved and there is a small physicochemical difference between serine and asparagine. This variant is present in population databases (rs573591432, ExAC 0.03%). This variant has not been reported in the literature in individuals affected with SPG11-related conditions. Algorithms developed to predict the effect of missense changes on protein structure and function output the following: SIFT: "Tolerated"; PolyPhen-2: "Benign"; Align-GVGD: "Class C0". The asparagine amino acid residue is found in multiple mammalian species, which suggests that this missense change does not adversely affect protein function. In summary, the available evidence is currently insufficient to determine the role of this variant in disease. Therefore, it has been classified as a Variant of Uncertain Significance.

NM_025137.4(SPG11):c.3977G>A (p.Ser1326Asn)

Gene: SPG11 (SPG11 vesicle trafficking associated, spatacsin; minus strand). Cytogenetic location: 15q21.1.
Variant type: single nucleotide variant.
Coding change: c.3977G>A on transcript NM_025137.4 (MANE Select); coding-DNA position 3977, G replaced by A.
Protein change: p.Ser1326Asn; replaces serine 1326 with asparagine.
Molecular consequence: missense variant.
Genome position (GRCh38, 1-based): chr15:44,598,289, C>T on the plus strand (G>A on the coding strand, the complement: SPG11 is on the minus strand). VCF-style: chr15-44598289-C-T. GRCh37 (hg19) VCF-style: chr15-44890487-C-T.
Other names: c.3977G>A, p.Ser1326Asn (NM_001160227.2); short protein forms S1326N.
Identifiers: ClinVar variation 839081 (VCV000839081.6), dbSNP rs573591432, ClinGen allele CA7534803.